The following is an entry in ClinVar:

ClinVar aggregate classification (germline): Uncertain significance (1 of 4 stars; one submission).

Allele frequency attached by ClinVar (database versions not stated): gnomAD exomes below 0.00001; ExAC 0.00001; gnomAD 0.00001.
gnomAD v4.1: 7 of 1,612,358 alleles (0.00043%); highest among the groups gnomAD compares: African/African-American, 0.0027%; no homozygotes.

Submission:

Labcorp Genetics (formerly Invitae), Labcorp
Classification: Uncertain significance. Last evaluated: 2023-12-09. Review status: criteria provided, single submitter. Criteria: Invitae Variant Classification Sherloc (09022015). Collection method: clinical testing. Allele origin: germline.
Comment: This sequence change replaces threonine, which is neutral and polar, with alanine, which is neutral and non-polar, at codon 13 of the STAG1 protein (p.Thr13Ala). This variant is present in population databases (rs749261209, gnomAD 0.002%). This variant has not been reported in the literature in individuals affected with STAG1-related conditions. Advanced modeling of protein sequence and biophysical properties (such as structural, functional, and spatial information, amino acid conservation, physicochemical variation, residue mobility, and thermodynamic stability) performed at Invitae indicates that this missense variant is not expected to disrupt STAG1 protein function with a negative predictive value of 95%. In summary, the available evidence is currently insufficient to determine the role of this variant in disease. Therefore, it has been classified as a Variant of Uncertain Significance.

NM_005862.3(STAG1):c.37A>G (p.Thr13Ala)

Gene: STAG1 (STAG1 cohesin complex component; minus strand). Cytogenetic location: 3q22.3.
Variant type: single nucleotide variant.
Coding change: c.37A>G on transcript NM_005862.3 (MANE Select); coding-DNA position 37, A replaced by G.
Protein change: p.Thr13Ala; replaces threonine 13 with alanine.
Molecular consequence: missense variant.
Genome position (GRCh38, 1-based): chr3:136,623,241, T>C on the plus strand (A>G on the coding strand, the complement: STAG1 is on the minus strand). VCF-style: chr3-136623241-T-C. GRCh37 (hg19) VCF-style: chr3-136342083-T-C.
Other names: short protein forms T13A.
Identifiers: ClinVar variation 2887883 (VCV002887883.3), dbSNP rs749261209, ClinGen allele CA2633311.